The following is an entry in ClinVar:

ClinVar aggregate classification (germline): Likely benign (0 of 4 stars; one submission).

Conditions:
POLD1-related disorder. Also called: POLD1-related condition; POLD1-related disorders.

Submission:

PreventionGenetics, part of Exact Sciences
Classification: Likely benign for POLD1-related condition. Last evaluated: 2023-03-02. Review status: no assertion criteria provided. Collection method: clinical testing. Allele origin: germline.
Comment: This variant is classified as likely benign based on ACMG/AMP sequence variant interpretation guidelines (Richards et al. 2015 PMID: 25741868, with internal and published modifications).

NM_002691.4(POLD1):c.1776-84_1776-83dup

Gene: POLD1 (DNA polymerase delta 1, catalytic subunit; plus strand). Cytogenetic location: 19q13.33.
Variant type: Duplication.
Coding change: c.1776-84_1776-83dup on transcript NM_002691.4 (MANE Select); 84 bases into the intron before coding-DNA position 1776 through 83 bases into the intron before coding-DNA position 1776, 2 bases duplicated (TT; older notation c.1776-84_1776-83dupTT).
Molecular consequence: intron variant.
Genome position (GRCh38, 1-based): chr19:50,408,701-50,408,702, TT duplicated; duplicating any 2 consecutive bases within chr19:50,408,691-50,408,702 gives the same sequence; the c. name uses the placement nearest the transcript's 3' end. VCF-style (leftmost placement, unchanged base first): chr19-50408690-A-ATT. GRCh37 (hg19) VCF-style: chr19-50911947-A-ATT.
Other names: c.1776-84_1776-83dup (NM_001256849.1); c.1776-6_1776-5dup (NM_001308632.1); c.1776-6_1776-5dupTT (NM_001308632.1).
Identifiers: ClinVar variation 3035891 (VCV003035891.2), dbSNP rs751745933, ClinGen allele CA633683998.
Genomic context (GRCh38, chr19:50,408,690, plus strand): 5'-GCCTCAGCCTCCCAATGTGCTGGGATTGCAGGAGCGAGCACTGCTCCCAGCCAATGAATG[A>ATT]TTTTTTTTTTTTAAAGGGTGAGGCCACAAGACAGGGCGGGGGCGGCATGGGAACTCCTAG-3'